The following is an entry in ClinVar:

NM_138694.4(PKHD1):c.976+2T>C

Gene: PKHD1 (PKHD1 ciliary IPT domain containing fibrocystin/polyductin; minus strand). Cytogenetic location: 6p12.2.
Variant type: single nucleotide variant.
Coding change: c.976+2T>C on transcript NM_138694.4 (MANE Select); the canonical splice donor site of the intron after coding-DNA position 976, T replaced by C.
Molecular consequence: splice donor variant.
Genome position (GRCh38, 1-based): chr6:52,064,953, A>G on the plus strand (T>C on the coding strand, the complement: PKHD1 is on the minus strand). VCF-style: chr6-52064953-A-G. GRCh37 (hg19) VCF-style: chr6-51929751-A-G.
Other names: c.976+2T>C (NM_170724.3).
Identifiers: ClinVar variation 3643733 (VCV003643733.3).
Genomic context (GRCh38, chr6:52,064,953, plus strand): 5'-CGCCAGCCCATCATGATTAAAGATATTCAGAGTTTATTGAACAGCCCTGGTGGCTTCCTT[A>G]CCTGGCTGAGGGGTGGTGAGCCTCACATCTTTTCCTGGAGCCCGAGTGGTGCACTCAATC-3'

ClinVar aggregate classification (germline): Pathogenic. Review status: criteria provided, multiple submitters, no conflicts (2 of 4 stars). 2 submissions from 2 submitters: Pathogenic (2). Last evaluated 2025-03-25.

Conditions:
Polycystic kidney disease 4 (PKD4). Also called: POLYCYSTIC KIDNEY AND HEPATIC DISEASE 1; POLYCYSTIC KIDNEY DISEASE, INFANTILE, TYPE I; PKD3; Autosomal Recessive Polycystic Kidney Disease – PKHD1; POLYCYSTIC KIDNEY DISEASE 4 WITH OR WITHOUT POLYCYSTIC LIVER DISEASE. Identifiers: MedGen C4540575, MONDO:0033004, OMIM 263200.
Autosomal recessive polycystic kidney disease (ARPKD). Also called: AR polycystic kidney disease. Identifiers: Orphanet 731, Orphanet 8378, MedGen C0085548, MeSH D017044, MONDO:0009889.

Submissions (2):

Revvity Omics, Revvity
Classification: Pathogenic for Polycystic kidney disease 4. Last evaluated: 2025-03-25. Review status: criteria provided, single submitter. Criteria: ACMG Guidelines, 2015. Collection method: clinical testing. Allele origin: germline.

Labcorp Genetics (formerly Invitae), Labcorp
Classification: Pathogenic for Autosomal recessive polycystic kidney disease. Last evaluated: 2024-02-29. Review status: criteria provided, single submitter. Criteria: Invitae Variant Classification Sherloc (09022015). Collection method: clinical testing. Allele origin: germline.
Comment: This sequence change affects a donor splice site in intron 13 of the PKHD1 gene. It is expected to disrupt RNA splicing. Variants that disrupt the donor or acceptor splice site typically lead to a loss of protein function (PMID: 16199547), and loss-of-function variants in PKHD1 are known to be pathogenic (PMID: 19940839). This variant is not present in population databases (gnomAD no frequency). Disruption of this splice site has been observed in individual(s) with polycystic kidney disease (PMID: 15805161). Algorithms developed to predict the effect of sequence changes on RNA splicing suggest that this variant may disrupt the consensus splice site. For these reasons, this variant has been classified as Pathogenic.

Literature cited by the submitters: PubMed 16199547 (cited by Labcorp Genetics (formerly Invitae), Labcorp); PubMed 19940839 (cited by Labcorp Genetics (formerly Invitae), Labcorp); PubMed 15805161 (cited by Labcorp Genetics (formerly Invitae), Labcorp).